The following is an entry in ClinVar:

NM_000701.8(ATP1A1):c.2393T>C (p.Ile798Thr)

Genes: ATP1A1 (ATPase Na+/K+ transporting subunit alpha 1; plus strand), ATP1A1-AS1 (ATP1A1 antisense RNA 1; minus strand). Cytogenetic location: 1p13.1.
Variant type: single nucleotide variant.
Coding change: c.2393T>C on transcript NM_000701.8 (MANE Select); coding-DNA position 2393, T replaced by C.
Protein change: p.Ile798Thr; replaces isoleucine 798 with threonine.
Molecular consequence: missense variant. On other transcripts: non-coding transcript variant (1).
Genome position (GRCh38, 1-based): chr1:116,399,029, T>C. VCF-style: chr1-116399029-T-C. GRCh37 (hg19) VCF-style: chr1-116941651-T-C.
Other names: c.2393T>C, p.Ile798Thr (NM_001160233.2); c.2300T>C, p.Ile767Thr (NM_001160234.2); short protein forms I798T, I767T.
Identifiers: ClinVar variation 3654639 (VCV003654639.2).

ClinVar aggregate classification (germline): Uncertain significance (1 of 4 stars; one submission).

Submission:

Labcorp Genetics (formerly Invitae), Labcorp
Classification: Uncertain significance. Last evaluated: 2024-05-26. Review status: criteria provided, single submitter. Criteria: Invitae Variant Classification Sherloc (09022015). Collection method: clinical testing. Allele origin: germline.
Comment: This sequence change replaces isoleucine, which is neutral and non-polar, with threonine, which is neutral and polar, at codon 798 of the ATP1A1 protein (p.Ile798Thr). This variant is not present in population databases (gnomAD no frequency). This variant has not been reported in the literature in individuals affected with ATP1A1-related conditions. Advanced modeling of protein sequence and biophysical properties (such as structural, functional, and spatial information, amino acid conservation, physicochemical variation, residue mobility, and thermodynamic stability) performed at Invitae indicates that this missense variant is not expected to disrupt ATP1A1 protein function with a negative predictive value of 80%. In summary, the available evidence is currently insufficient to determine the role of this variant in disease. Therefore, it has been classified as a Variant of Uncertain Significance.